The following is an entry in ClinVar:

ClinVar aggregate classification (germline): Uncertain significance. Review status: criteria provided, multiple submitters, no conflicts (2 of 4 stars). 5 submissions from 5 submitters: Uncertain significance (5). Last evaluated 2025-12-16.

Conditions:
Hereditary cancer-predisposing syndrome. Also called: Hereditary neoplastic syndrome; Neoplastic Syndromes, Hereditary; Tumor predisposition; Hereditary Cancer Syndrome. Identifiers: Orphanet 140162, MedGen C0027672, MeSH D009386, MONDO:0015356.
Familial cancer of breast. Also called: BREAST CANCER, FAMILIAL; Hereditary breast cancer; hereditary breast carcinoma. Identifiers: Orphanet 227535, MedGen C0346153, MONDO:0016419, OMIM 114480. Disease mechanism: loss of function.
Ataxia-telangiectasia syndrome (AT). Also called: LOUIS-BAR SYNDROME; Cerebello-oculocutaneous telangiectasia; Immunodeficiency with ataxia telangiectasia; AT, COMPLEMENTATION GROUP C; Ataxia-telangiectasia, complementation group D; ATAXIA-TELANGIECTASIA, COMPLEMENTATION GROUP A. Identifiers: Orphanet 100, MedGen C0004135, MONDO:0008840, OMIM 208900.

Allele frequency attached by ClinVar (database versions not stated): gnomAD 0.00001.

Submissions (5):

Labcorp Genetics (formerly Invitae), Labcorp
Classification: Uncertain significance for Ataxia-telangiectasia syndrome. Last evaluated: 2025-12-16. Review status: criteria provided, single submitter. Criteria: Invitae Variant Classification Sherloc (09022015). Collection method: clinical testing. Allele origin: germline.
Comment: This sequence change replaces tyrosine, which is neutral and polar, with cysteine, which is neutral and slightly polar, at codon 1319 of the ATM protein (p.Tyr1319Cys). This variant is present in population databases (no rsID available, gnomAD 0.007%). This variant has not been reported in the literature in individuals affected with ATM-related conditions. ClinVar contains an entry for this variant (Variation ID: 481247). Invitae Evidence Modeling of protein sequence and biophysical properties (such as structural, functional, and spatial information, amino acid conservation, physicochemical variation, residue mobility, and thermodynamic stability) has been performed for this missense variant. However, the output from this modeling did not meet the statistical confidence thresholds required to predict the impact of this variant on ATM protein function. Algorithms developed to predict the effect of sequence changes on RNA splicing suggest that this variant may create or strengthen a splice site. In summary, the available evidence is currently insufficient to determine the role of this variant in disease. Therefore, it has been classified as a Variant of Uncertain Significance.

Color Diagnostics, LLC DBA Color Health
Classification: Uncertain significance for Hereditary cancer-predisposing syndrome. Last evaluated: 2024-11-26. Review status: criteria provided, single submitter. Criteria: ACMG Guidelines, 2015. Collection method: clinical testing. Allele origin: germline.
Comment: This missense variant replaces tyrosine with cysteine at codon 1319 of the ATM protein. Computational prediction suggests that this variant may have deleterious impact on protein structure and function. To our knowledge, functional studies have not been reported for this variant. This variant has been detected in a breast cancer case-control meta-analysis in 2/60466 cases and 2/53461 controls (PMID: 33471991). This variant has been identified in 1/31404 chromosomes in the general population by the Genome Aggregation Database (gnomAD). The available evidence is insufficient to determine the role of this variant in disease conclusively. Therefore, this variant is classified as a Variant of Uncertain Significance.

Baylor Genetics
Classification: Uncertain significance for Familial cancer of breast. Last evaluated: 2024-02-09. Review status: criteria provided, single submitter. Criteria: ACMG Guidelines, 2015. Collection method: clinical testing. Allele origin: unknown.

Ambry Genetics
Classification: Uncertain significance for Hereditary cancer-predisposing syndrome. Last evaluated: 2023-12-08. Review status: criteria provided, single submitter. Criteria: Ambry Variant Classification Scheme 2023. Collection method: clinical testing. Allele origin: germline.
Comment: The p.Y1319C variant (also known as c.3956A>G), located in coding exon 25 of the ATM gene, results from an A to G substitution at nucleotide position 3956. The tyrosine at codon 1319 is replaced by cysteine, an amino acid with highly dissimilar properties. This variant was reported in 2/60,466 breast cancer cases and in 2/53,461 controls (Dorling et al. N Engl J Med. 2021 02;384:428-439). This amino acid position is highly conserved in available vertebrate species. In addition, this alteration is predicted to be deleterious by in silico analysis. Since supporting evidence is limited at this time, the clinical significance of this alteration remains unclear.

Women's Health and Genetics/Laboratory Corporation of America, LabCorp
Classification: Uncertain significance. Last evaluated: 2021-12-14. Review status: criteria provided, single submitter. Criteria: LabCorp Variant Classification Summary - May 2015. Collection method: clinical testing. Allele origin: germline.
Comment: Variant summary: ATM c.3956A>G (p.Tyr1319Cys) results in a non-conservative amino acid change in the encoded protein sequence. Four of five in-silico tools predict a damaging effect of the variant on protein function. The variant allele was found at a frequency of 6.6e-06 in 151002 control chromosomes (gnomAD v3.1, genomes dataset). The available data on variant occurrences in the general population are insufficient to allow any conclusion about variant significance. c.3956A>G has been reported in the literature in an individual affected with renal-cell carcinoma, however, it was unclear if the variant was a somatic or germline occurrence (Gao_2018). In a recent large study evaluating breast cancer cases and controls in the Breast Cancer Association Consortium (BCAC), the variant was reported in 2/60466 cases, but was also found in 2/53461 controls (Dorling_2021 through LOVD). These reports do not provide unequivocal conclusions about association of the variant with Ataxia-Telangiectasia. To our knowledge, no experimental evidence demonstrating an impact on protein function has been reported. Two other clinical diagnostic laboratories have submitted clinical-significance assessments for this variant to ClinVar after 2014, and classified the variant as uncertain significance. Based on the evidence outlined above, the variant was classified as uncertain significance.

Literature cited by the submitters: PubMed 33471991 (cited by 3 submitters); PubMed 29754934 (cited by Women's Health and Genetics/Laboratory Corporation of America, LabCorp).

NM_000051.4(ATM):c.3956A>G (p.Tyr1319Cys)

Gene: ATM (ATM serine/threonine kinase; plus strand). Cytogenetic location: 11q22.3.
Variant type: single nucleotide variant.
Coding change: c.3956A>G on transcript NM_000051.4 (MANE Select); coding-DNA position 3956, A replaced by G.
Protein change: p.Tyr1319Cys; replaces tyrosine 1319 with cysteine.
Molecular consequence: missense variant.
Genome position (GRCh38, 1-based): chr11:108,284,436, A>G. VCF-style: chr11-108284436-A-G. GRCh37 (hg19) VCF-style: chr11-108155163-A-G.
Other names: c.3956A>G, p.Tyr1319Cys (NM_001351834.2); short protein forms Y1319C.
Identifiers: ClinVar variation 481247 (VCV000481247.20), dbSNP rs1424433891, ClinGen allele CA382526034.